The following is an entry in ClinVar:

ClinVar aggregate classification (germline): Uncertain significance. Review status: criteria provided, multiple submitters, no conflicts (2 of 4 stars). 4 submissions from 4 submitters: Uncertain significance (4). Last evaluated 2025-10-26.

Conditions:
Inborn genetic diseases. Identifiers: MedGen C0950123, MeSH D030342.
C3-related disorder. Also called: C3-related condition.

Allele frequency attached by ClinVar (database versions not stated): gnomAD exomes 0.00001; ExAC 0.00007; gnomAD 0.00009; TOPMed 0.00010; 1000 Genomes Project 0.00020; 1000 Genomes Project 30x 0.00031.
gnomAD v4.1: 26 of 1,614,002 alleles (0.0016%); highest among the groups gnomAD compares: African/African-American, 0.031%; no homozygotes.

Submissions (4):

Labcorp Genetics (formerly Invitae), Labcorp
Classification: Uncertain significance. Last evaluated: 2025-10-26. Review status: criteria provided, single submitter. Criteria: Invitae Variant Classification Sherloc (09022015). Collection method: clinical testing. Allele origin: germline.
Comment: This sequence change replaces proline, which is neutral and non-polar, with histidine, which is basic and polar, at codon 889 of the C3 protein (p.Pro889His). This variant is present in population databases (rs550715718, gnomAD 0.03%). This variant has not been reported in the literature in individuals affected with C3-related conditions. ClinVar contains an entry for this variant (Variation ID: 2198211). Invitae Evidence Modeling of protein sequence and biophysical properties (such as structural, functional, and spatial information, amino acid conservation, physicochemical variation, residue mobility, and thermodynamic stability) has been performed for this missense variant. However, the output from this modeling did not meet the statistical confidence thresholds required to predict the impact of this variant on C3 protein function. In summary, the available evidence is currently insufficient to determine the role of this variant in disease. Therefore, it has been classified as a Variant of Uncertain Significance.

Ambry Genetics
Classification: Uncertain significance for Inborn genetic diseases. Last evaluated: 2025-09-22. Review status: criteria provided, single submitter. Criteria: Ambry Variant Classification Scheme 2023. Collection method: clinical testing. Allele origin: germline.

Mayo Clinic Laboratories, Mayo Clinic
Classification: Uncertain significance. Last evaluated: 2025-09-06. Review status: criteria provided, single submitter. Criteria: ACMG Guidelines, 2015. Collection method: clinical testing. Allele origin: germline. Observed: 2 variant alleles.
Comment: BP4_moderate

PreventionGenetics, part of Exact Sciences
Classification: Uncertain significance for C3-related condition. Last evaluated: 2025-02-06. Review status: criteria provided, single submitter. Criteria: ACMG Guidelines, 2015. Collection method: clinical testing. Allele origin: germline.
Comment: The C3 c.2666C>A variant is predicted to result in the amino acid substitution p.Pro889His. To our knowledge, this variant has not been reported in the literature. This variant is reported in 0.036% of alleles in individuals of African descent in gnomAD. At this time, the clinical significance of this variant is uncertain due to the absence of conclusive functional and genetic evidence.

NM_000064.4(C3):c.2666C>A (p.Pro889His)

Gene: C3 (complement C3; minus strand). Cytogenetic location: 19p13.3.
Variant type: single nucleotide variant.
Coding change: c.2666C>A on transcript NM_000064.4 (MANE Select); coding-DNA position 2666, C replaced by A.
Protein change: p.Pro889His; replaces proline 889 with histidine.
Molecular consequence: missense variant.
Genome position (GRCh38, 1-based): chr19:6,697,474, G>T on the plus strand (C>A on the coding strand, the complement: C3 is on the minus strand). VCF-style: chr19-6697474-G-T. GRCh37 (hg19) VCF-style: chr19-6697485-G-T.
Other names: p.Pro889His; c.2666C>A (NM_000064.3); short protein forms P889H.
Identifiers: ClinVar variation 2198211 (VCV002198211.6), dbSNP rs550715718, ClinGen allele CA9129008.